The following is an entry in ClinVar:

ClinVar aggregate classification (germline): Uncertain significance. Review status: criteria provided, multiple submitters, no conflicts (2 of 4 stars). 2 submissions from 2 submitters: Uncertain significance (2). Last evaluated 2023-11-28.

Conditions:
Combined oxidative phosphorylation defect type 23. Also called: Combined oxidative phosphorylation deficiency 23. Identifiers: Orphanet 444013, MedGen C5567743, MONDO:0014525, OMIM 616198.

Allele frequency attached by ClinVar (database versions not stated): ExAC 0.00001; gnomAD exomes 0.00001; TOPMed 0.00001.

Submissions (2):

Labcorp Genetics (formerly Invitae), Labcorp
Classification: Uncertain significance. Last evaluated: 2023-11-28. Review status: criteria provided, single submitter. Criteria: Invitae Variant Classification Sherloc (09022015). Collection method: clinical testing. Allele origin: germline.
Comment: This sequence change replaces serine, which is neutral and polar, with threonine, which is neutral and polar, at codon 131 of the GTPBP3 protein (p.Ser131Thr). This variant is present in population databases (rs767434617, gnomAD 0.002%). This variant has not been reported in the literature in individuals affected with GTPBP3-related conditions. ClinVar contains an entry for this variant (Variation ID: 931581). Advanced modeling of protein sequence and biophysical properties (such as structural, functional, and spatial information, amino acid conservation, physicochemical variation, residue mobility, and thermodynamic stability) performed at Invitae indicates that this missense variant is not expected to disrupt GTPBP3 protein function with a negative predictive value of 80%. In summary, the available evidence is currently insufficient to determine the role of this variant in disease. Therefore, it has been classified as a Variant of Uncertain Significance.

Centre for Mendelian Genomics, University Medical Centre Ljubljana
Classification: Uncertain significance for Combined oxidative phosphorylation defect type 23. Last evaluated: 2019-08-12. Review status: criteria provided, single submitter. Criteria: ACMG Guidelines, 2015. Collection method: clinical testing. Allele origin: unknown. Affected: yes.
Comment: This variant was classified as: Uncertain significance. The available evidence on this variant's pathogenicity is insufficient or conflicting. The following ACMG criteria were applied in classifying this variant: PM2.

NM_032620.4(GTPBP3):c.392G>C (p.Ser131Thr)

Gene: GTPBP3 (GTP binding protein 3, mitochondrial; plus strand). Cytogenetic location: 19p13.11.
Variant type: single nucleotide variant.
Coding change: c.392G>C on transcript NM_032620.4 (MANE Select); coding-DNA position 392, G replaced by C.
Protein change: p.Ser131Thr; replaces serine 131 with threonine.
Molecular consequence: missense variant.
Genome position (GRCh38, 1-based): chr19:17,338,542, G>C. VCF-style: chr19-17338542-G-C. GRCh37 (hg19) VCF-style: chr19-17449351-G-C.
Other names: c.392G>C, p.Ser131Thr (NM_001128855.3, NM_133644.4); c.458G>C, p.Ser153Thr (NM_001195422.1); short protein forms S131T, S153T.
Identifiers: ClinVar variation 931581 (VCV000931581.8), dbSNP rs767434617, ClinGen allele CA9293344.